The following is an entry in ClinVar:

NM_000321.3(RB1):c.-124G>A

Gene: RB1 (RB transcriptional corepressor 1; plus strand). Cytogenetic location: 13q14.2.
Variant type: single nucleotide variant.
Coding change: c.-124G>A on transcript NM_000321.3 (MANE Select); 124 bases upstream of the start codon, G replaced by A.
Molecular consequence: 5 prime UTR variant.
Genome position (GRCh38, 1-based): chr13:48,303,789, G>A. VCF-style: chr13-48303789-G-A. GRCh37 (hg19) VCF-style: chr13-48877925-G-A.
Other names: c.-124G>A (NM_001407165.1, NM_001407166.1, NM_001407167.1).
Identifiers: ClinVar variation 3672266 (VCV003672266.2).

ClinVar aggregate classification (germline): Uncertain significance (1 of 4 stars; one submission).

Conditions:
Retinoblastoma (RB1). Also called: RETINOBLASTOMA, SOMATIC. Identifiers: Orphanet 790, MedGen C0035335, MeSH D012175, MONDO:0008380, OMIM 180200, HP:0009919. Disease mechanism: loss of function. Inheritance: Both sporadic and heritable forms are tested..

Submission:

Labcorp Genetics (formerly Invitae), Labcorp
Classification: Uncertain significance for Retinoblastoma. Last evaluated: 2025-11-17. Review status: criteria provided, single submitter. Criteria: Invitae Variant Classification Sherloc (09022015). Collection method: clinical testing. Allele origin: germline.
Comment: This variant occurs in a non-coding region of the RB1 gene. It does not change the encoded amino acid sequence of the RB1 protein. This variant is not present in population databases (gnomAD no frequency). This variant has not been reported in the literature in individuals affected with RB1-related conditions. ClinVar contains an entry for this variant (Variation ID: 3672266). Experimental studies and prediction algorithms are not available or were not evaluated, and the functional significance of this variant is currently unknown. In summary, the available evidence is currently insufficient to determine the role of this variant in disease. Therefore, it has been classified as a Variant of Uncertain Significance.